The following is an entry in ClinVar:

NM_000334.4(SCN4A):c.1121A>G (p.Glu374Gly)

Gene: SCN4A (sodium voltage-gated channel alpha subunit 4; minus strand). Cytogenetic location: 17q23.3.
Variant type: single nucleotide variant.
Coding change: c.1121A>G on transcript NM_000334.4 (MANE Select); coding-DNA position 1121, A replaced by G.
Protein change: p.Glu374Gly; replaces glutamic acid 374 with glycine.
Molecular consequence: missense variant.
Genome position (GRCh38, 1-based): chr17:63,966,223, T>C on the plus strand (A>G on the coding strand, the complement: SCN4A is on the minus strand). VCF-style: chr17-63966223-T-C. GRCh37 (hg19) VCF-style: chr17-62043583-T-C.
Other names: short protein forms E374G.
Identifiers: ClinVar variation 3670625 (VCV003670625.2).

ClinVar aggregate classification (germline): Uncertain significance (1 of 4 stars; one submission).

Conditions:
Hyperkalemic periodic paralysis. Also called: Familial hyperkalemic periodic paralysis; Gamstorp disease. Identifiers: Orphanet 682, MedGen C0238357, MONDO:0008224, OMIM 170500, HP:0007215.

gnomAD v4.1: 2 of 1,604,222 alleles (0.00012%); highest among the groups gnomAD compares: Non-Finnish European, 0.00017%; no homozygotes.

Submission:

Labcorp Genetics (formerly Invitae), Labcorp
Classification: Uncertain significance for Hyperkalemic periodic paralysis. Last evaluated: 2024-06-10. Review status: criteria provided, single submitter. Criteria: Invitae Variant Classification Sherloc (09022015). Collection method: clinical testing. Allele origin: germline.
Comment: This sequence change replaces glutamic acid, which is acidic and polar, with glycine, which is neutral and non-polar, at codon 374 of the SCN4A protein (p.Glu374Gly). This variant is not present in population databases (gnomAD no frequency). This variant has not been reported in the literature in individuals affected with SCN4A-related conditions. Advanced modeling of protein sequence and biophysical properties (such as structural, functional, and spatial information, amino acid conservation, physicochemical variation, residue mobility, and thermodynamic stability) performed at Invitae indicates that this missense variant is not expected to disrupt SCN4A protein function with a negative predictive value of 95%. In summary, the available evidence is currently insufficient to determine the role of this variant in disease. Therefore, it has been classified as a Variant of Uncertain Significance.